The following is an entry in ClinVar:

NM_182925.5(FLT4):c.4053G>A (p.Pro1351=)

Gene: FLT4 (fms related receptor tyrosine kinase 4; minus strand). Cytogenetic location: 5q35.3.
Variant type: single nucleotide variant.
Coding change: c.4053G>A on transcript NM_182925.5 (MANE Select); coding-DNA position 4053, G replaced by A.
Protein change: p.Pro1351=; no amino-acid change (proline 1351 retained).
Molecular consequence: synonymous variant.
Genome position (GRCh38, 1-based): chr5:180,603,231, C>T on the plus strand (G>A on the coding strand, the complement: FLT4 is on the minus strand). VCF-style: chr5-180603231-C-T. GRCh37 (hg19) VCF-style: chr5-180030231-C-T.
Other names: c.4053G>A (NM_182925.4).
Identifiers: ClinVar variation 3250576 (VCV003250576.22), dbSNP rs2270519.

ClinVar aggregate classification (germline): Likely benign. Review status: criteria provided, multiple submitters, no conflicts (2 of 4 stars). 5 submissions from 5 submitters: Likely benign (5). Last evaluated 2025-12-06.

Conditions:
FLT4-related disorder. Also called: FLT4-related condition.
Inborn genetic diseases. Identifiers: MedGen C0950123, MeSH D030342.

Allele frequency attached by ClinVar (database versions not stated): ESP Exome Variant Server 0.00023; TOPMed 0.00025; 1000 Genomes Project 30x 0.00031; 1000 Genomes Project 0.00040; gnomAD exomes 0.00043; gnomAD 0.00046; ExAC 0.00109.

Submissions (5):

PreventionGenetics, part of Exact Sciences
Classification: Likely benign for FLT4-related condition. Last evaluated: 2025-12-06. Review status: criteria provided, single submitter. Criteria: ACMG Guidelines, 2015. Collection method: clinical testing. Allele origin: germline.
Comment: This variant is classified as likely benign based on ACMG/AMP sequence variant interpretation guidelines (Richards et al. 2015 PMID: 25741868, with internal and published modifications).

Laboratory of Genetics, Children's Clinical University Hospital Latvia
Classification: Likely benign. Last evaluated: 2025-02-16. Review status: criteria provided, single submitter. Criteria: ACMG Guidelines, 2015. Collection method: clinical testing. Allele origin: germline. Affected: yes.

Ambry Genetics
Classification: Likely benign for Inborn genetic diseases. Last evaluated: 2024-11-13. Review status: criteria provided, single submitter. Criteria: Ambry Variant Classification Scheme 2023. Collection method: clinical testing. Allele origin: germline.

Blueprint Genetics
Classification: Likely benign. Last evaluated: 2024-10-15. Review status: criteria provided, single submitter. Criteria: ACMG Guidelines, 2015. Collection method: clinical testing. Allele origin: germline.

CeGaT Center for Human Genetics Tuebingen
Classification: Likely benign. Last evaluated: 2024-06-01. Review status: criteria provided, single submitter. Criteria: CeGaT Center For Human Genetics Tuebingen Variant Classification Criteria Version 2. Collection method: clinical testing. Allele origin: germline. Affected: yes. Observed: 1 variant allele.
Comment: FLT4: BP4, BP7, BS1